The following is an entry in ClinVar:

NM_000051.4(ATM):c.3296_3318del (p.Asp1099fs)

Gene: ATM (ATM serine/threonine kinase; plus strand). Cytogenetic location: 11q22.3.
Variant type: Deletion.
Coding change: c.3296_3318del on transcript NM_000051.4 (MANE Select); coding-DNA positions 3296 to 3318, 23 bases deleted (ACACGAAGGGAGATTCTTCCAGG).
Protein change: p.Asp1099fs; shifts the reading frame from aspartic acid 1099.
Molecular consequence: frameshift variant.
Genome position (GRCh38, 1-based): chr11:108,279,502-108,279,524, ACACGAAGGGAGATTCTTCCAGG deleted; deleting any 23 consecutive bases within chr11:108,279,495-108,279,524 gives the same sequence; the c. name uses the placement nearest the transcript's 3' end. VCF-style (leftmost placement, unchanged base first): chr11-108279494-GTTCCAGGACACGAAGGGAGATTC-G. GRCh37 (hg19) VCF-style: chr11-108150221-GTTCCAGGACACGAAGGGAGATTC-G.
Other names: c.3296_3318del, p.Asp1099fs (NM_001351834.2); short protein forms D1099fs.
Identifiers: ClinVar variation 1729882 (VCV001729882.2), dbSNP rs2546861539, ClinGen allele CA2580082958.
Genomic context (GRCh38, chr11:108,279,494, plus strand): 5'-TTTGAAATTAGAAAATTATTTCACTTTTTGTTTGTTTGTTTGCTTGCTTGTTTTAAGATT[GTTCCAGGACACGAAGGGAGATTC>G]TTCCAGGTTACTGAAAGCACTTCCTTTGAAGCTTCAGCAAACAGCTTTTGAAAATGCATA-3'

ClinVar aggregate classification (germline): Pathogenic (1 of 4 stars; one submission).

Conditions:
Hereditary cancer-predisposing syndrome. Also called: Neoplastic Syndromes, Hereditary; Tumor predisposition; Hereditary Cancer Syndrome; Hereditary neoplastic syndrome. Identifiers: Orphanet 140162, MedGen C0027672, MeSH D009386, MONDO:0015356.

Submission:

Ambry Genetics
Classification: Pathogenic for Hereditary cancer-predisposing syndrome. Last evaluated: 2019-09-26. Review status: criteria provided, single submitter. Criteria: Ambry Variant Classification Scheme 2023. Collection method: clinical testing. Allele origin: germline.
Comment: The c.3296_3318del23 pathogenic mutation, located in coding exon 22 of the ATM gene, results from a deletion of 23 nucleotides at nucleotide positions 3296 to 3318, causing a translational frameshift with a predicted alternate stop codon (p.Asp1099Valfs*15). This alteration is expected to result in loss of function by premature protein truncation or nonsense-mediated mRNA decay. As such, this alteration is interpreted as a disease-causing mutation.